The following is an entry in ClinVar:

ClinVar aggregate classification (germline): Uncertain significance (1 of 4 stars; one submission).

Conditions:
Severe combined immunodeficiency due to LCK deficiency. Also called: Immunodeficiency 22. Identifiers: Orphanet 280142, MedGen C4014233, MONDO:0014334, OMIM 615758.

Allele frequency attached by ClinVar (database versions not stated): TOPMed below 0.00001; gnomAD exomes 0.00001; ExAC 0.00002.
gnomAD v4.1: 15 of 1,614,150 alleles (0.00093%); highest among the groups gnomAD compares: African/African-American, 0.004%; no homozygotes.

Submission:

Labcorp Genetics (formerly Invitae), Labcorp
Classification: Uncertain significance for Severe combined immunodeficiency due to LCK deficiency. Last evaluated: 2024-11-05. Review status: criteria provided, single submitter. Criteria: Invitae Variant Classification Sherloc (09022015). Collection method: clinical testing. Allele origin: germline.
Comment: This sequence change falls in intron 11 of the LCK gene. It does not directly change the encoded amino acid sequence of the LCK protein. It affects a nucleotide within the consensus splice site. This variant is present in population databases (rs761594487, gnomAD 0.007%). This variant has not been reported in the literature in individuals affected with LCK-related conditions. ClinVar contains an entry for this variant (Variation ID: 2171575). Variants that disrupt the consensus splice site are a relatively common cause of aberrant splicing (PMID: 17576681, 9536098). Algorithms developed to predict the effect of sequence changes on RNA splicing suggest that this variant may disrupt the consensus splice site. In summary, the available evidence is currently insufficient to determine the role of this variant in disease. Therefore, it has been classified as a Variant of Uncertain Significance.

Literature cited by the submitters: PubMed 17576681; PubMed 9536098.

NM_005356.5(LCK):c.1195+5G>A

Gene: LCK (LCK proto-oncogene, Src family tyrosine kinase; plus strand). Cytogenetic location: 1p35.2.
Variant type: single nucleotide variant.
Coding change: c.1195+5G>A on transcript NM_005356.5 (MANE Select); 5 bases into the intron after coding-DNA position 1195, G replaced by A.
Molecular consequence: intron variant.
Genome position (GRCh38, 1-based): chr1:32,279,999, G>A. VCF-style: chr1-32279999-G-A. GRCh37 (hg19) VCF-style: chr1-32745600-G-A.
Other names: c.1042+5G>A (NM_001330468.2); c.1195+5G>A (NM_001042771.3).
Identifiers: ClinVar variation 2171575 (VCV002171575.3), dbSNP rs761594487, ClinGen allele CA741302.